The following is an entry in ClinVar:

ClinVar aggregate classification (germline): Likely benign (1 of 4 stars; one submission).

Submission:

CeGaT Center for Human Genetics Tuebingen
Classification: Likely benign. Last evaluated: 2025-02-01. Review status: criteria provided, single submitter. Criteria: CeGaT Center For Human Genetics Tuebingen Variant Classification Criteria Version 2. Collection method: clinical testing. Allele origin: germline. Affected: yes. Observed: 1 variant allele.
Comment: PRX: PM2:Supporting, BP4, BP7

NM_181882.3(PRX):c.1881A>T (p.Pro627=)

Gene: PRX (periaxin; minus strand). Cytogenetic location: 19q13.2.
Variant type: single nucleotide variant.
Coding change: c.1881A>T on transcript NM_181882.3 (MANE Select); coding-DNA position 1881, A replaced by T.
Protein change: p.Pro627=; no amino-acid change (proline 627 retained).
Molecular consequence: synonymous variant. On other transcripts: 3 prime UTR variant (1).
Genome position (GRCh38, 1-based): chr19:40,396,471, T>A on the plus strand (A>T on the coding strand, the complement: PRX is on the minus strand). VCF-style: chr19-40396471-T-A. GRCh37 (hg19) VCF-style: chr19-40902378-T-A.
Other names: c.2166A>T, p.Pro722= (NM_001411127.1); c.*2086A>T (NM_020956.2).
Identifiers: ClinVar variation 3772559 (VCV003772559.13).